The following is an entry in ClinVar:

ClinVar aggregate classification (germline): Conflicting classifications of pathogenicity. Review status: criteria provided, conflicting classifications (1 of 4 stars). 2 submissions from 2 submitters: Uncertain significance (1); Likely benign (1). Last evaluated 2024-05-08.

Conditions:
KBG syndrome (KBGS). Also called: ANKRD11-Related KBG Syndrome. Identifiers: Orphanet 2332, MedGen C0220687, MONDO:0007846, OMIM 148050.

Allele frequency attached by ClinVar (database versions not stated): 1000 Genomes Project 30x 0.00016.
gnomAD v4.1: 6 of 1,614,170 alleles (0.00037%); highest among the groups gnomAD compares: Admixed American, 0.0017%; no homozygotes.

Submissions (2):

Blueprint Genetics
Classification: Likely benign. Last evaluated: 2024-05-08. Review status: criteria provided, single submitter. Criteria: ACMG Guidelines, 2015. Collection method: clinical testing. Allele origin: germline.

Labcorp Genetics (formerly Invitae), Labcorp
Classification: Uncertain significance for KBG syndrome. Last evaluated: 2023-08-17. Review status: criteria provided, single submitter. Criteria: Invitae Variant Classification Sherloc (09022015). Collection method: clinical testing. Allele origin: germline.
Comment: This sequence change affects codon 297 of the ANKRD11 mRNA. It is a 'silent' change, meaning that it does not change the encoded amino acid sequence of the ANKRD11 protein. It affects a nucleotide within the consensus splice site. This variant is present in population databases (rs191287362, gnomAD 0.01%). This variant has not been reported in the literature in individuals affected with ANKRD11-related conditions. Algorithms developed to predict the effect of sequence changes on RNA splicing suggest that this variant is not likely to affect RNA splicing. In summary, the available evidence is currently insufficient to determine the role of this variant in disease. Therefore, it has been classified as a Variant of Uncertain Significance.

NM_013275.6(ANKRD11):c.891G>A (p.Thr297=)

Gene: ANKRD11 (ankyrin repeat domain 11; minus strand). Cytogenetic location: 16q24.3.
Variant type: single nucleotide variant.
Coding change: c.891G>A on transcript NM_013275.6 (MANE Select); coding-DNA position 891, G replaced by A.
Protein change: p.Thr297=; no amino-acid change (threonine 297 retained).
Molecular consequence: synonymous variant.
Genome position (GRCh38, 1-based): chr16:89,286,040, C>T on the plus strand (G>A on the coding strand, the complement: ANKRD11 is on the minus strand). VCF-style: chr16-89286040-C-T. GRCh37 (hg19) VCF-style: chr16-89352448-C-T.
Other names: c.891G>A, p.Thr297= (NM_001256182.2, NM_001256183.2).
Identifiers: ClinVar variation 2724122 (VCV002724122.4), dbSNP rs191287362, ClinGen allele CA8242913.
Genomic context (GRCh38, chr16:89,286,040, plus strand): 5'-AGGGCAGCTCCTACCATCCCTGCATAAAAGAACAGGCAGCTCAGGTGGCCGTGACTTACC[C>T]GTCGAGCTCTCCTCGCTGGAAGTGTAAGTGCCTTTGCCTAACAGGAGGTTCACCATCGTG-3'
Protein context (NP_037407.4, residues 287-307): GTYTSSEESS[Thr297=]ESSEEEDAPS